The following is an entry in ClinVar:

NM_005422.4(TECTA):c.5698T>C (p.Tyr1900His)

Genes: TBCEL-TECTA (TBCEL-TECTA readthrough; plus strand), TECTA (tectorin alpha; plus strand). Cytogenetic location: 11q23.3.
Variant type: single nucleotide variant.
Coding change: c.5698T>C on transcript NM_005422.4 (MANE Select); coding-DNA position 5698, T replaced by C.
Protein change: p.Tyr1900His; replaces tyrosine 1900 with histidine.
Molecular consequence: missense variant.
Genome position (GRCh38, 1-based): chr11:121,168,165, T>C. VCF-style: chr11-121168165-T-C. GRCh37 (hg19) VCF-style: chr11-121038874-T-C.
Other names: c.6640T>C, p.Tyr2214His (NM_001378761.1); short protein forms Y1900H, Y2214H.
Identifiers: ClinVar variation 1710753 (VCV001710753.2), dbSNP rs2496992168, ClinGen allele CA383035532.
Genomic context (GRCh38, chr11:121,168,165, plus strand): 5'-AACAACACTGGCAACATCATCACCAGGGACCGCACGATCAATGTGGAATTTTCATGTGCT[T>C]ATGAGCTGGATATCAAGATCTCCTTGGATTCTGTTGTGAAGCCTATGCTAAGGTAAGGTG-3'
Protein context (NP_005413.2, residues 1890-1910): RTINVEFSCA[Tyr1900His]ELDIKISLDS

ClinVar aggregate classification (germline): Uncertain significance (1 of 4 stars; one submission).

Submission:

GeneDx
Classification: Uncertain significance. Last evaluated: 2022-04-15. Review status: criteria provided, single submitter. Criteria: GeneDx Variant Classification Process June 2021. Collection method: clinical testing. Allele origin: germline. Affected: yes.
Comment: Not observed at significant frequency in large population cohorts (gnomAD); In silico analysis supports that this missense variant has a deleterious effect on protein structure/function; Has not been previously published as pathogenic or benign to our knowledge; This variant is associated with the following publications: (PMID: 21520338, 31554319, 9590290, 16718611)